The following is an entry in ClinVar:

ClinVar aggregate classification (germline): Conflicting classifications of pathogenicity. Review status: criteria provided, conflicting classifications (1 of 4 stars). 3 submissions from 3 submitters: Uncertain significance (2); Likely benign (1). Last evaluated 2024-04-04.

Conditions:
Familial focal epilepsy with variable foci (FPEVF). Identifiers: Orphanet 98820, MedGen C1858477, MONDO:0020310.
Epilepsy, familial focal, with variable foci 1 (FFEVF1). Also called: DEPDC5-Related Epilepsy. Identifiers: MedGen C4551983, MONDO:0024556, OMIM 604364.
Focal epilepsy. Also called: partial epilepsy. Identifiers: MedGen C0014547, MeSH D004828, MONDO:0005384.

Submissions (3):

Genomic Medicine Center of Excellence, King Faisal Specialist Hospital and Research Centre
Classification: Likely benign for Epilepsy, familial focal, with variable foci 1. Last evaluated: 2024-04-04. Review status: criteria provided, single submitter. Criteria: ACMG Guidelines, 2015. Collection method: clinical testing. Allele origin: germline.

Labcorp Genetics (formerly Invitae), Labcorp
Classification: Uncertain significance for Familial focal epilepsy with variable foci. Last evaluated: 2021-12-08. Review status: criteria provided, single submitter. Criteria: Invitae Variant Classification Sherloc (09022015). Collection method: clinical testing. Allele origin: germline.
Comment: In summary, the available evidence is currently insufficient to determine the role of this variant in disease. Therefore, it has been classified as a Variant of Uncertain Significance. Algorithms developed to predict the effect of missense changes on protein structure and function are either unavailable or do not agree on the potential impact of this missense change (SIFT: "Deleterious"; PolyPhen-2: "Not Available"; Align-GVGD: "Class C45"). This variant has not been reported in the literature in individuals affected with DEPDC5-related conditions. This variant is not present in population databases (gnomAD no frequency). This sequence change replaces asparagine, which is neutral and polar, with serine, which is neutral and polar, at codon 613 of the DEPDC5 protein (p.Asn613Ser).

Department of Pathology and Laboratory Medicine, Sinai Health System
Classification: Uncertain significance for focal epilepsy. Last evaluated: 2020-07-02. Review status: criteria provided, single submitter. Criteria: ACMG Guidelines, 2015. Collection method: research. Allele origin: germline.

NM_001242896.3(DEPDC5):c.1838A>G (p.Asn613Ser)

Gene: DEPDC5 (DEP domain containing 5, GATOR1 subcomplex subunit; plus strand). Cytogenetic location: 22q12.3.
Variant type: single nucleotide variant.
Coding change: c.1838A>G on transcript NM_001242896.3 (MANE Select); coding-DNA position 1838, A replaced by G.
Protein change: p.Asn613Ser; replaces asparagine 613 with serine.
Molecular consequence: missense variant. On other transcripts: non-coding transcript variant (5).
Genome position (GRCh38, 1-based): chr22:31,819,193, A>G. VCF-style: chr22-31819193-A-G. GRCh37 (hg19) VCF-style: chr22-32215179-A-G.
Other names: c.1838A>G, p.Asn613Ser (NM_001136029.4, NM_001242897.2, NM_001363852.2 and 6 more transcripts); c.1754A>G, p.Asn585Ser (NM_001369901.1, NM_001369902.1); short protein forms N613S, N585S.
Identifiers: ClinVar variation 1507278 (VCV001507278.8), dbSNP rs2089445867, ClinGen allele CA411281102.